The following is an entry in ClinVar:

ClinVar aggregate classification (germline): Conflicting classifications of pathogenicity. Review status: criteria provided, conflicting classifications (1 of 4 stars). 2 submissions from 2 submitters: Uncertain significance (1); Likely benign (1). Last evaluated 2024-01-24.

Conditions:
Autosomal recessive spastic paraplegia type 78. Identifiers: Orphanet 513436, MedGen C5567893, MONDO:0014975, OMIM 617225.
Kufor-Rakeb syndrome (KRS). Also called: PARKINSON DISEASE 9, AUTOSOMAL RECESSIVE, JUVENILE-ONSET. Identifiers: Orphanet 306674, Orphanet 314632, MedGen C1847640, MONDO:0011706, OMIM 606693.

Allele frequency attached by ClinVar (database versions not stated): TOPMed below 0.00001; gnomAD 0.00001; gnomAD exomes 0.00001.
gnomAD v4.1: 12 of 1,546,408 alleles (0.00078%); highest among the groups gnomAD compares: Admixed American, 0.002%; no homozygotes.

Submissions (2):

Labcorp Genetics (formerly Invitae), Labcorp
Classification: Likely benign for Kufor-Rakeb syndrome; Autosomal recessive spastic paraplegia type 78. Last evaluated: 2024-01-24. Review status: criteria provided, single submitter. Criteria: Invitae Variant Classification Sherloc (09022015). Collection method: clinical testing. Allele origin: germline.

CeGaT Center for Human Genetics Tuebingen
Classification: Uncertain significance. Last evaluated: 2022-10-01. Review status: criteria provided, single submitter. Criteria: CeGaT Center For Human Genetics Tuebingen Variant Classification Criteria Version 2. Collection method: clinical testing. Allele origin: germline. Affected: yes. Observed: 1 variant allele.
Comment: ATP13A2: PM2, BP4

NM_022089.4(ATP13A2):c.1543-7C>T

Gene: ATP13A2 (ATPase cation transporting 13A2; minus strand). Cytogenetic location: 1p36.13.
Variant type: single nucleotide variant.
Coding change: c.1543-7C>T on transcript NM_022089.4 (MANE Select); 7 bases into the intron before coding-DNA position 1543, C replaced by T.
Molecular consequence: intron variant.
Genome position (GRCh38, 1-based): chr1:16,993,842, G>A on the plus strand (C>T on the coding strand, the complement: ATP13A2 is on the minus strand). VCF-style: chr1-16993842-G-A. GRCh37 (hg19) VCF-style: chr1-17320337-G-A.
Other names: c.1528-7C>T (NM_001141974.3, NM_001141973.3).
Identifiers: ClinVar variation 1879078 (VCV001879078.34), dbSNP rs1293271804, ClinGen allele CA521029298.